The following is an entry in ClinVar:

ClinVar aggregate classification (germline): Conflicting classifications of pathogenicity. Review status: criteria provided, conflicting classifications (1 of 4 stars). 3 submissions from 3 submitters: Uncertain significance (2); Likely benign (1). Last evaluated 2024-04-25.

Conditions:
Hereditary cancer-predisposing syndrome. Also called: Tumor predisposition; Neoplastic Syndromes, Hereditary; Hereditary neoplastic syndrome; Hereditary Cancer Syndrome. Identifiers: Orphanet 140162, MedGen C0027672, MeSH D009386, MONDO:0015356.
Fanconi anemia complementation group C (FANCC). Also called: FANCONI PANCYTOPENIA, TYPE 3; FACC; Fanconi anemia, group C; FANCC-Related Fanconi Anemia. Identifiers: Orphanet 84, MedGen C3468041, MONDO:0009213, OMIM 227645.
Fanconi anemia (FA). Also called: Fanconi's anemia. Identifiers: Orphanet 84, MedGen C0015625, MeSH D005199, MONDO:0019391.

Allele frequency attached by ClinVar (database versions not stated): gnomAD exomes below 0.00001 and 0.00001; TOPMed below 0.00001.
gnomAD v4.1: 5 of 1,614,012 alleles (0.00031%); highest among the groups gnomAD compares: Non-Finnish European, 0.00042%; no homozygotes.

Submissions (3):

Labcorp Genetics (formerly Invitae), Labcorp
Classification: Uncertain significance for Fanconi anemia. Last evaluated: 2024-04-25. Review status: criteria provided, single submitter. Criteria: Invitae Variant Classification Sherloc (09022015). Collection method: clinical testing. Allele origin: germline.
Comment: This sequence change replaces histidine, which is basic and polar, with arginine, which is basic and polar, at codon 452 of the FANCC protein (p.His452Arg). This variant is present in population databases (no rsID available, gnomAD 0.002%). This variant has not been reported in the literature in individuals affected with FANCC-related conditions. ClinVar contains an entry for this variant (Variation ID: 1017642). Advanced modeling of protein sequence and biophysical properties (such as structural, functional, and spatial information, amino acid conservation, physicochemical variation, residue mobility, and thermodynamic stability) performed at Invitae indicates that this missense variant is not expected to disrupt FANCC protein function with a negative predictive value of 80%. In summary, the available evidence is currently insufficient to determine the role of this variant in disease. Therefore, it has been classified as a Variant of Uncertain Significance.

Ambry Genetics
Classification: Likely benign for Hereditary cancer-predisposing syndrome. Last evaluated: 2021-12-07. Review status: criteria provided, single submitter. Criteria: Ambry Variant Classification Scheme 2023. Collection method: clinical testing. Allele origin: germline.

Fulgent Genetics
Classification: Uncertain significance for Fanconi anemia complementation group C. Last evaluated: 2021-07-11. Review status: criteria provided, single submitter. Criteria: ACMG Guidelines, 2015. Collection method: clinical testing. Allele origin: unknown.

NM_000136.3(FANCC):c.1355A>G (p.His452Arg)

Genes: AOPEP (aminopeptidase O (putative); plus strand), FANCC (FA complementation group C; minus strand). Cytogenetic location: 9q22.32.
Variant type: single nucleotide variant.
Coding change: c.1355A>G on transcript NM_000136.3 (MANE Select); coding-DNA position 1355, A replaced by G.
Protein change: p.His452Arg; replaces histidine 452 with arginine.
Molecular consequence: missense variant.
Genome position (GRCh38, 1-based): chr9:95,107,244, T>C on the plus strand (A>G on the coding strand, the complement: FANCC is on the minus strand). VCF-style: chr9-95107244-T-C. GRCh37 (hg19) VCF-style: chr9-97869526-T-C.
Other names: c.1355A>G, p.His452Arg (NM_001243743.2); short protein forms H452R.
Identifiers: ClinVar variation 1017642 (VCV001017642.12), dbSNP rs1224625808, ClinGen allele CA374106246.